The following is an entry in ClinVar:

ClinVar aggregate classification (germline): Pathogenic. Review status: reviewed by expert panel (3 of 4 stars). 2 submissions from 2 submitters: Pathogenic (1). 1 of the submissions does not count toward it. Last evaluated 2016-10-18.

Conditions:
Breast-ovarian cancer, familial, susceptibility to, 1 (BROVCA1). Also called: BRCA1 Hereditary Breast and Ovarian Cancer; OVARIAN CANCER, SUSCEPTIBILITY TO. Identifiers: Orphanet 145, MedGen C2676676, MONDO:0011450, OMIM 604370. Disease mechanism: loss of function.

Submissions (2):

Evidence-based Network for the Interpretation of Germline Mutant Alleles (ENIGMA)
Classification: Pathogenic for Breast-ovarian cancer, familial, susceptibility to, 1. Last evaluated: 2016-10-18. Review status: reviewed by expert panel. Criteria: ENIGMA BRCA1/2 Classification Criteria (2015). Collection method: curation. Allele origin: germline.
Comment: Variant allele predicted to encode a truncated non-functional protein.

Consortium of Investigators of Modifiers of BRCA1/2 (CIMBA), c/o University of Cambridge
Classification: Pathogenic for Breast-ovarian cancer, familial, susceptibility to, 1. Last evaluated: 2015-10-02. Review status: criteria provided, single submitter. Criteria: CIMBA Mutation Classification guidelines May 2016. Collection method: clinical testing. Allele origin: germline. Not counted in ClinVar's aggregate classification.

NM_007294.4(BRCA1):c.4107_4108insATCT (p.Ser1370fs)

Gene: BRCA1 (BRCA1 DNA repair associated; minus strand). Cytogenetic location: 17q21.31.
Variant type: Insertion.
Coding change: c.4107_4108insATCT on transcript NM_007294.4 (MANE Select); coding-DNA positions 4107 to 4108, ATCT inserted.
Protein change: p.Ser1370fs; shifts the reading frame from serine 1370.
Molecular consequence: frameshift variant. On other transcripts: non-coding transcript variant (1).
Genome position: GRCh38 VCF-style: chr17-43091021-A-AAGAT. GRCh37 (hg19) VCF-style: chr17-41243038-A-AAGAT.
Other names: 4226 insATCT; c.3981_3982insATCT, p.Ser1328Ilefs (NM_001407940.1, NM_001407941.1, NM_001407649.1 and 11 more transcripts); c.3966_3967insATCT, p.Ser1323Ilefs (NM_001407942.1, NM_001407944.1, NM_001407945.1 and 28 more transcripts); c.3963_3964insATCT, p.Ser1322Ilefs (NM_001407943.1, NM_001407964.1, NM_001407740.1 and 20 more transcripts); c.3774_3775insATCT, p.Ser1259Ilefs (NM_001407946.1, NM_001407947.1, NM_001407948.1 and 6 more transcripts); c.3771_3772insATCT, p.Ser1258Ilefs (NM_001407954.1, NM_001407955.1, NM_001407956.1 and 1 more transcripts); c.3726_3727insATCT, p.Ser1243Ilefs (NM_001407959.1, NM_001407960.1, NM_001407963.1); c.3723_3724insATCT, p.Ser1242Ilefs (NM_001407962.1); and 45 more; short protein forms S267fs, S1323fs, S1370fs.
Identifiers: ClinVar variation 266444 (VCV000266444.6), dbSNP rs886040202, ClinGen allele CA10589691.